The following is an entry in ClinVar:

NM_017654.4(SAMD9):c.4039C>T (p.Leu1347Phe)

Gene: SAMD9 (sterile alpha motif domain containing 9; minus strand). Cytogenetic location: 7q21.2.
Variant type: single nucleotide variant.
Coding change: c.4039C>T on transcript NM_017654.4 (MANE Select); coding-DNA position 4039, C replaced by T.
Protein change: p.Leu1347Phe; replaces leucine 1347 with phenylalanine.
Molecular consequence: missense variant.
Genome position (GRCh38, 1-based): chr7:93,102,059, G>A on the plus strand (C>T on the coding strand, the complement: SAMD9 is on the minus strand). VCF-style: chr7-93102059-G-A. GRCh37 (hg19) VCF-style: chr7-92731372-G-A.
Other names: c.4039C>T, p.Leu1347Phe (NM_001193307.2); short protein forms L1347F.
Identifiers: ClinVar variation 4843137 (VCV004843137.1).
Genomic context (GRCh38, chr7:93,102,059, plus strand): 5'-TCACTATACATTTCATAGTGCTTATAGCATCCTCTTGACTTTTGATAAGATATTCCAAGA[G>A]CCCAGAAAACTTGTCTGCTTTTAAAGCTACTAGGTTTCTCCTGCATCTCTCTACTTGAAG-3'
Protein context (NP_060124.2, residues 1337-1357): VALKADKFSG[Leu1347Phe]LEYLIKSQED

ClinVar aggregate classification (germline): Uncertain significance (1 of 4 stars; one submission).

Conditions:
Inborn genetic diseases. Identifiers: MedGen C0950123, MeSH D030342.

gnomAD v4.1: 3 of 1,613,026 alleles (0.00019%); highest among the groups gnomAD compares: South Asian, 0.0022%; no homozygotes.

Submission:

Ambry Genetics
Classification: Uncertain significance for Inborn genetic diseases. Last evaluated: 2026-01-09. Review status: criteria provided, single submitter. Criteria: Ambry Variant Classification Scheme 2023. Collection method: clinical testing. Allele origin: germline.
Comment: The p.L1347F variant (also known as c.4039C>T), located in coding exon 1 of the SAMD9 gene, results from a C to T substitution at nucleotide position 4039. The leucine at codon 1347 is replaced by phenylalanine, an amino acid with highly similar properties. This amino acid position is conserved. In addition, this alteration is predicted to be tolerated by in silico analysis. Based on the available evidence, the clinical significance of this variant remains unclear.